The following is an entry in ClinVar:

NM_001165963.4(SCN1A):c.549_558del (p.Thr184fs)

Gene: SCN1A (sodium voltage-gated channel alpha subunit 1; minus strand). Cytogenetic location: 2q24.3.
Variant type: Deletion.
Coding change: c.549_558del on transcript NM_001165963.4 (MANE Select); coding-DNA positions 549 to 558, 10 bases deleted (TACTTTCCTT; older notation c.549_558delTACTTTCCTT).
Protein change: p.Thr184fs; shifts the reading frame from threonine 184.
Molecular consequence: frameshift variant. On other transcripts: 5 prime UTR variant (1), non-coding transcript variant (1).
Genome position (GRCh38, 1-based): chr2:166,054,682-166,054,691, AAGGAAAGTA deleted on the plus strand (TACTTTCCTT on the coding strand, the reverse complement: SCN1A is on the minus strand); deleting any 10 consecutive bases within chr2:166,054,682-166,054,693 gives the same sequence; the c. name uses the placement nearest the transcript's 3' end. VCF-style (leftmost placement, unchanged base first): chr2-166054681-GAAGGAAAGTA-G. GRCh37 (hg19) VCF-style: chr2-166911191-GAAGGAAAGTA-G.
Other names: c.549_558del, p.Thr184fs (NM_001165964.3, NM_001202435.3, NM_001353948.2 and 10 more transcripts); c.-1877_-1868del (NM_001353961.2); short protein forms T184fs.
Identifiers: ClinVar variation 2096316 (VCV002096316.4), dbSNP rs2468246751, ClinGen allele CA2580064318.
Genomic context (GRCh38, chr2:166,054,681, plus strand): 5'-TCAAAAAAGGCACTTACGCAAATGTAATGACAGTGAAATCGAGCCAGTTCCATGGATCCC[GAAGGAAAGTA>G]AAATCTTCTAAACAGAATCCCCTTGCAATAATTTTTATAAGTGATTCAAAAGTATATATT-3'

ClinVar aggregate classification (germline): Pathogenic (1 of 4 stars; one submission).

Conditions:
Early-infantile DEE. Also called: Early infantile epileptic encephalopathy; Early infantile epileptic encephalopathy with suppression bursts; Ohtahara syndrome. Identifiers: Orphanet 1934, MedGen C0393706, MONDO:0800491.

Submission:

Labcorp Genetics (formerly Invitae), Labcorp
Classification: Pathogenic for Early-infantile DEE. Last evaluated: 2022-07-19. Review status: criteria provided, single submitter. Criteria: Invitae Variant Classification Sherloc (09022015). Collection method: clinical testing. Allele origin: germline.
Comment: For these reasons, this variant has been classified as Pathogenic. This variant has not been reported in the literature in individuals affected with SCN1A-related conditions. This variant is not present in population databases (gnomAD no frequency). This sequence change creates a premature translational stop signal (p.Thr184Glyfs*29) in the SCN1A gene. It is expected to result in an absent or disrupted protein product. Loss-of-function variants in SCN1A are known to be pathogenic (PMID: 17347258, 18930999).

Literature cited by the submitters: PubMed 17347258; PubMed 18930999.